The following is an entry in ClinVar:

ClinVar aggregate classification (germline): Uncertain significance. Review status: criteria provided, multiple submitters, no conflicts (2 of 4 stars). 2 submissions from 2 submitters: Uncertain significance (2). Last evaluated 2025-05-19.

Conditions:
Developmental and epileptic encephalopathy, 2 (DEE2). Also called: INFANTILE SPASM SYNDROME, X-LINKED 2; CDKL5 deficiency disorder. Identifiers: Orphanet 1934, Orphanet 3451, Orphanet 505652, MedGen C4750718, MONDO:0010396, OMIM 300672.
Angelman syndrome-like. Identifiers: MedGen CN128785.

gnomAD v4.1: 5 of 1,210,912 alleles (0.00041%); highest among the groups gnomAD compares: African/African-American, 0.0087%; no homozygotes.

Submissions (2):

Labcorp Genetics (formerly Invitae), Labcorp
Classification: Uncertain significance for Developmental and epileptic encephalopathy, 2; Angelman syndrome-like. Last evaluated: 2025-05-19. Review status: criteria provided, single submitter. Criteria: Invitae Variant Classification Sherloc (09022015). Collection method: clinical testing. Allele origin: germline.
Comment: This sequence change replaces glutamine, which is neutral and polar, with glutamic acid, which is acidic and polar, at codon 979 of the CDKL5 protein (p.Gln979Glu). This variant is present in population databases (rs775114662, gnomAD 0.02%). This variant has not been reported in the literature in individuals affected with CDKL5-related conditions. Invitae Evidence Modeling of protein sequence and biophysical properties (such as structural, functional, and spatial information, amino acid conservation, physicochemical variation, residue mobility, and thermodynamic stability) indicates that this missense variant is not expected to disrupt CDKL5 protein function with a negative predictive value of 95%. In summary, the available evidence is currently insufficient to determine the role of this variant in disease. Therefore, it has been classified as a Variant of Uncertain Significance.

Women's Health and Genetics/Laboratory Corporation of America, LabCorp
Classification: Uncertain significance. Last evaluated: 2025-05-06. Review status: criteria provided, single submitter. Criteria: LabCorp Variant Classification Summary - May 2015. Collection method: clinical testing. Allele origin: germline.
Comment: Variant summary: CDKL5 c.2935C>G (p.Gln979Glu) results in a conservative amino acid change in the encoded protein sequence. Algorithms developed to predict the effect of missense changes on protein structure and function all suggest that this variant is likely to be tolerated. The variant allele was found at a frequency of 1.1e-05 in 183411 control chromosomes. The available data on variant occurrences in the general population are insufficient to allow any conclusion about variant significance. To our knowledge, no occurrence of c.2935C>G in individuals affected with Early Infantile Epileptic Encephalopathy 2 and no experimental evidence demonstrating its impact on protein function have been reported. No submitters have cited clinical-significance assessments for this variant to ClinVar. Based on the evidence outlined above, the variant was classified as uncertain significance.

NC_000023.11:g.18650547C>G

Genes: CDKL5 (cyclin dependent kinase like 5; plus strand), RS1 (retinoschisin 1; minus strand). Cytogenetic location: Xp22.13.
Variant type: single nucleotide variant.
Molecular consequence: intron variant (on NM_000330.4). On other transcripts: missense variant (2).
Genome position: GRCh38 VCF-style: chrX-18650547-C-G. GRCh37 (hg19) VCF-style: chrX-18668667-C-G.
Other names: c.2935C>G, p.Gln979Glu (NM_001037343.2, NM_003159.3); c.185-3215G>C (NM_000330.4); short protein forms Q979E.
Identifiers: ClinVar variation 3902490 (VCV003902490.2).